The following is an entry in ClinVar:

NM_002691.4(POLD1):c.1573C>A (p.Arg525=)

Gene: POLD1 (DNA polymerase delta 1, catalytic subunit; plus strand). Cytogenetic location: 19q13.33.
Variant type: single nucleotide variant.
Coding change: c.1573C>A on transcript NM_002691.4 (MANE Select); coding-DNA position 1573, C replaced by A.
Protein change: p.Arg525=; no amino-acid change (arginine 525 retained).
Molecular consequence: synonymous variant. On other transcripts: non-coding transcript variant (1).
Genome position (GRCh38, 1-based): chr19:50,407,061, C>A. VCF-style: chr19-50407061-C-A. GRCh37 (hg19) VCF-style: chr19-50910318-C-A.
Other names: c.1573C>A, p.Arg525= (NM_001256849.1, NM_001308632.1).
Identifiers: ClinVar variation 537167 (VCV000537167.12), dbSNP rs201804732, ClinGen allele CA508184011.
Genomic context (GRCh38, chr19:50,407,061, plus strand): 5'-CGCCGCCGCCTGGCTGTGTACTGCCTGAAGGATGCCTACCTGCCACTGCGGCTGCTGGAG[C>A]GGCTCATGGTGCTGGTGAACGCCGTGGAGATGGCGAGGGTCACTGGCGTGCCCCTCAGCT-3'
Protein context (NP_002682.2, residues 515-535): DAYLPLRLLE[Arg525=]LMVLVNAVEM

ClinVar aggregate classification (germline): Benign/Likely benign. Review status: criteria provided, multiple submitters, no conflicts (2 of 4 stars). 3 submissions from 3 submitters: Benign (1); Likely benign (2). Last evaluated 2025-02-06.

Conditions:
POLD1-related polyposis and colorectal cancer syndrome (CRCS10). Also called: Colorectal cancer 10; COLORECTAL CANCER, SUSCEPTIBILITY TO, ON CHROMOSOME 19q; Colorectal cancer, susceptibility to, 10. Identifiers: Orphanet 220460, MedGen C2675481, MONDO:0012953, OMIM 612591.
Hereditary cancer-predisposing syndrome. Also called: Tumor predisposition; Neoplastic Syndromes, Hereditary; Hereditary Cancer Syndrome; Hereditary neoplastic syndrome. Identifiers: Orphanet 140162, MedGen C0027672, MeSH D009386, MONDO:0015356.

gnomAD v4.1: 2 of 1,613,752 alleles (0.00012%); highest among the groups gnomAD compares: African/African-American, 0.0013%; no homozygotes.

Submissions (3):

Myriad Genetics, Inc.
Classification: Benign for POLD1-related polyposis and colorectal cancer syndrome. Last evaluated: 2025-02-06. Review status: criteria provided, single submitter. Criteria: Myriad Autosomal Dominant, Autosomal Recessive and X-Linked Classification Criteria (2023). Collection method: clinical testing. Allele origin: unknown.
Comment: This variant is considered benign. This variant is a silent/synonymous amino acid change and it is not expected to impact splicing.

Ambry Genetics
Classification: Likely benign for Hereditary cancer-predisposing syndrome. Last evaluated: 2019-12-08. Review status: criteria provided, single submitter. Criteria: Ambry Variant Classification Scheme 2023. Collection method: clinical testing. Allele origin: germline.

Labcorp Genetics (formerly Invitae), Labcorp
Classification: Likely benign for POLD1-related polyposis and colorectal cancer syndrome. Last evaluated: 2017-12-13. Review status: criteria provided, single submitter. Criteria: Invitae Variant Classification Sherloc (09022015). Collection method: clinical testing. Allele origin: germline.